The following is an entry in ClinVar:

NM_015215.4(CAMTA1):c.1894C>T (p.His632Tyr)

Gene: CAMTA1 (calmodulin binding transcription activator 1; plus strand). Cytogenetic location: 1p36.23.
Variant type: single nucleotide variant.
Coding change: c.1894C>T on transcript NM_015215.4 (MANE Select); coding-DNA position 1894, C replaced by T.
Protein change: p.His632Tyr; replaces histidine 632 with tyrosine.
Molecular consequence: missense variant.
Genome position (GRCh38, 1-based): chr1:7,664,441, C>T. VCF-style: chr1-7664441-C-T. GRCh37 (hg19) VCF-style: chr1-7724501-C-T.
Other names: c.1804C>T, p.His602Tyr (NM_001349608.2, NM_001349612.2); c.1894C>T, p.His632Tyr (NM_001349609.2, NM_001349610.2, NM_001410737.1); c.1822C>T, p.His608Tyr (NM_001410738.1); short protein forms H602Y, H608Y, H632Y.
Identifiers: ClinVar variation 4699151 (VCV004699151.1).

ClinVar aggregate classification (germline): Uncertain significance (1 of 4 stars; one submission).

gnomAD v4.1: 11 of 1,613,536 alleles (0.00068%); highest among the groups gnomAD compares: Non-Finnish European, 0.00093%; no homozygotes.

Submission:

Labcorp Genetics (formerly Invitae), Labcorp
Classification: Uncertain significance. Last evaluated: 2025-07-24. Review status: criteria provided, single submitter. Criteria: Invitae Variant Classification Sherloc (09022015). Collection method: clinical testing. Allele origin: germline.
Comment: This sequence change replaces histidine, which is basic and polar, with tyrosine, which is neutral and polar, at codon 632 of the CAMTA1 protein (p.His632Tyr). This variant is present in population databases (rs749970495, gnomAD 0.0009%). This variant has not been reported in the literature in individuals affected with CAMTA1-related conditions. Invitae Evidence Modeling of protein sequence and biophysical properties (such as structural, functional, and spatial information, amino acid conservation, physicochemical variation, residue mobility, and thermodynamic stability) indicates that this missense variant is not expected to disrupt CAMTA1 protein function with a negative predictive value of 80%. In summary, the available evidence is currently insufficient to determine the role of this variant in disease. Therefore, it has been classified as a Variant of Uncertain Significance.